The following is an entry in ClinVar:

ClinVar aggregate classification (germline): Pathogenic (1 of 4 stars; one submission).

Conditions:
Tuberous sclerosis 1 (TSC1). Identifiers: Orphanet 805, MedGen C1854465, MONDO:0008612, OMIM 191100.

Submission:

Labcorp Genetics (formerly Invitae), Labcorp
Classification: Pathogenic for Tuberous sclerosis 1. Last evaluated: 2023-02-16. Review status: criteria provided, single submitter. Criteria: Invitae Variant Classification Sherloc (09022015). Collection method: clinical testing. Allele origin: germline.
Comment: This sequence change affects a donor splice site in intron 9 of the TSC1 gene. It is expected to disrupt RNA splicing. Variants that disrupt the donor or acceptor splice site typically lead to a loss of protein function (PMID: 16199547), and loss-of-function variants in TSC1 are known to be pathogenic (PMID: 10227394, 17304050). This variant is not present in population databases (gnomAD no frequency). Disruption of this splice site has been observed in individual(s) with tuberous sclerosis complex (PMID: 27859028). In at least one individual the variant was observed to be de novo. Algorithms developed to predict the effect of sequence changes on RNA splicing suggest that this variant may disrupt the consensus splice site. For these reasons, this variant has been classified as Pathogenic.

Literature cited by the submitters: PubMed 16199547; PubMed 10227394; PubMed 17304050; PubMed 27859028.

NM_000368.5(TSC1):c.913+2T>A

Gene: TSC1 (TSC complex subunit 1; minus strand). Cytogenetic location: 9q34.13.
Variant type: single nucleotide variant.
Coding change: c.913+2T>A on transcript NM_000368.5 (MANE Select); the canonical splice donor site of the intron after coding-DNA position 913, T replaced by A.
Molecular consequence: splice donor variant.
Genome position (GRCh38, 1-based): chr9:132,912,280, A>T on the plus strand (T>A on the coding strand, the complement: TSC1 is on the minus strand). VCF-style: chr9-132912280-A-T. GRCh37 (hg19) VCF-style: chr9-135787667-A-T.
Other names: c.550+2T>A (NM_001406620.1, NM_001406618.1, NM_001406625.1 and 10 more transcripts); c.760+2T>A (NM_001406613.1, NM_001406612.1, NM_001406610.1 and 2 more transcripts); c.-39+2T>A (NM_001406627.1, NM_001406628.1, NM_001406626.1); c.-181+2T>A (NM_001406629.1, NM_001406630.1); c.913+2T>A (NM_001406603.1, NM_001406609.1, NM_001406597.1 and 16 more transcripts).
Identifiers: ClinVar variation 2838055 (VCV002838055.3), dbSNP rs2538885807, ClinGen allele CA375368960.